The following is an entry in ClinVar:

ClinVar aggregate classification (germline): Pathogenic/Likely pathogenic. Review status: criteria provided, multiple submitters, no conflicts (2 of 4 stars). 2 submissions from 2 submitters: Pathogenic (1); Likely pathogenic (1). Last evaluated 2024-04-04.

Conditions:
Pyridoxine-dependent epilepsy (EPEO4). Also called: PYRIDOXINE DEPENDENCY WITH SEIZURES; Pyridoxine-Dependent Seizures; EPILEPSY, EARLY-ONSET, 4, VITAMIN B6-DEPENDENT; Pyridoxine-Dependent Epilepsy - ALDH7A1. Identifiers: Orphanet 3006, MedGen C1849508, MONDO:0009945, OMIM 266100. Disease mechanism: loss of function.

gnomAD v4.1: 1 of 1,613,730 alleles (0.000062%); highest among the groups gnomAD compares: Non-Finnish European, 0.000085%; no homozygotes.

Submissions (2):

GeneDx
Classification: Likely pathogenic. Last evaluated: 2024-04-04. Review status: criteria provided, single submitter. Criteria: GeneDx Variant Classification Process June 2021. Collection method: clinical testing. Allele origin: germline. Affected: yes.
Comment: Nonsense variant predicted to result in protein truncation or nonsense mediated decay in a gene for which loss of function is a known mechanism of disease; Identified in the presence of an ALDH7A1 pathogenic variant in an individual with pyridoxine-dependent epilepsy (PMID: 30043187); Not observed at significant frequency in large population cohorts (gnomAD); This variant is associated with the following publications: (PMID: 20554659, 16491085, 30043187)

Labcorp Genetics (formerly Invitae), Labcorp
Classification: Pathogenic for Pyridoxine-dependent epilepsy. Last evaluated: 2023-11-06. Review status: criteria provided, single submitter. Criteria: Invitae Variant Classification Sherloc (09022015). Collection method: clinical testing. Allele origin: germline.
Comment: This sequence change creates a premature translational stop signal (p.Gln148*) in the ALDH7A1 gene. It is expected to result in an absent or disrupted protein product. Loss-of-function variants in ALDH7A1 are known to be pathogenic (PMID: 16491085, 20554659). This variant is present in population databases (rs551773096, gnomAD 0.0009%). This premature translational stop signal has been observed in individual(s) with pyridoxine-dependent epilepsy (PMID: 30043187). Algorithms developed to predict the effect of sequence changes on RNA splicing suggest that this variant may disrupt the consensus splice site. For these reasons, this variant has been classified as Pathogenic.

Literature cited by the submitters: PubMed 16491085 (cited by Labcorp Genetics (formerly Invitae), Labcorp); PubMed 20554659 (cited by Labcorp Genetics (formerly Invitae), Labcorp); PubMed 30043187 (cited by Labcorp Genetics (formerly Invitae), Labcorp).

NM_001182.5(ALDH7A1):c.442C>T (p.Gln148Ter)

Gene: ALDH7A1 (aldehyde dehydrogenase 7 family member A1; minus strand). Cytogenetic location: 5q23.2.
Variant type: single nucleotide variant.
Coding change: c.442C>T on transcript NM_001182.5 (MANE Select); coding-DNA position 442, C replaced by T.
Protein change: p.Gln148Ter; replaces glutamine 148 with a stop codon.
Molecular consequence: nonsense.
Genome position (GRCh38, 1-based): chr5:126,582,926, G>A on the plus strand (C>T on the coding strand, the complement: ALDH7A1 is on the minus strand). VCF-style: chr5-126582926-G-A. GRCh37 (hg19) VCF-style: chr5-125918618-G-A.
Other names: c.442C>T (NM_001182.4); c.358C>T, p.Gln120Ter (NM_001201377.2); c.442C>T, p.Gln148Ter (NM_001202404.2); short protein forms Q120*, Q148*.
Identifiers: ClinVar variation 2977229 (VCV002977229.4), dbSNP rs551773096, ClinGen allele CA3389765.
Genomic context (GRCh38, chr5:126,582,926, plus strand): 5'-TAGGTCCTCCAATCATCCTTGATAAACCAACAGCATAGTCACAGATATCCACATACTCCT[G>A]AACTTCACCCACACCTTCCACTAAGATTTTCCCCATCTCCAAAGACACCTAGAAATATAA-3'